The following is an entry in ClinVar:

NC_000019.10:g.39480664G>T

Gene: TIMM50 (translocase of inner mitochondrial membrane 50; plus strand). Cytogenetic location: 19q13.2.
Variant type: single nucleotide variant.
Genome position: GRCh38 VCF-style: chr19-39480664-G-T. GRCh37 (hg19) VCF-style: chr19-39971304-G-T.
Other names: short protein forms Q40H.
Identifiers: ClinVar variation 1430050 (VCV001430050.4), dbSNP rs147362652, ClinGen allele CA9431555.

ClinVar aggregate classification (germline): Uncertain significance. Review status: criteria provided, multiple submitters, no conflicts (2 of 4 stars). 2 submissions from 2 submitters: Uncertain significance (2). Last evaluated 2022-10-05.

Conditions:
TIMM50-related disorder. Also called: TIMM50-related condition.

Allele frequency attached by ClinVar (database versions not stated): ExAC 0.00014; 1000 Genomes Project 0.00020; gnomAD exomes 0.00010; gnomAD 0.00046 and 0.00054; TOPMed 0.00048; 1000 Genomes Project 30x 0.00016; ESP Exome Variant Server 0.00038.

Submissions (2):

PreventionGenetics, part of Exact Sciences
Classification: Uncertain significance for TIMM50-related condition. Last evaluated: 2022-10-05. Review status: criteria provided, single submitter. Criteria: ACMG Guidelines, 2015. Collection method: clinical testing. Allele origin: germline.
Comment: The TIMM50 c.120G>T variant is predicted to result in the amino acid substitution p.Gln40His. To our knowledge, this variant has not been reported in the literature. This variant is reported in 0.14% of alleles in individuals of African descent in gnomAD. Although we suspect that this variant may be benign, at this time, the clinical significance of this variant is uncertain due to the absence of conclusive functional and genetic evidence.

Labcorp Genetics (formerly Invitae), Labcorp
Classification: Uncertain significance. Last evaluated: 2022-10-03. Review status: criteria provided, single submitter. Criteria: Invitae Variant Classification Sherloc (09022015). Collection method: clinical testing. Allele origin: germline.
Comment: This sequence change replaces glutamine, which is neutral and polar, with histidine, which is basic and polar, at codon 40 of the TIMM50 protein (p.Gln40His). This variant is present in population databases (rs147362652, gnomAD 0.1%). This variant has not been reported in the literature in individuals affected with TIMM50-related conditions. ClinVar contains an entry for this variant (Variation ID: 1430050). Algorithms developed to predict the effect of missense changes on protein structure and function are either unavailable or do not agree on the potential impact of this missense change (SIFT: "Not Available"; PolyPhen-2: "Benign"; Align-GVGD: "Not Available"). In summary, the available evidence is currently insufficient to determine the role of this variant in disease. Therefore, it has been classified as a Variant of Uncertain Significance.